The following is an entry in ClinVar:

NM_001003694.2(BRPF1):c.1005C>G (p.Asn335Lys)

Gene: BRPF1 (bromodomain and PHD finger containing 1; plus strand). Cytogenetic location: 3p25.3.
Variant type: single nucleotide variant.
Coding change: c.1005C>G on transcript NM_001003694.2 (MANE Select); coding-DNA position 1005, C replaced by G.
Protein change: p.Asn335Lys; replaces asparagine 335 with lysine.
Molecular consequence: missense variant. On other transcripts: non-coding transcript variant (1).
Genome position (GRCh38, 1-based): chr3:9,739,404, C>G. VCF-style: chr3-9739404-C-G. GRCh37 (hg19) VCF-style: chr3-9781088-C-G.
Other names: c.1005C>G, p.Asn335Lys (NM_001319049.2, NM_001319050.2, NM_001410704.1 and 7 more transcripts); short protein forms N335K.
Identifiers: ClinVar variation 4999702 (VCV004999702.1).

ClinVar aggregate classification (germline): Uncertain significance (1 of 4 stars; one submission).

Conditions:
BRPF1-related disorder. Also called: BRPF1-related condition.

Submission:

PreventionGenetics, part of Exact Sciences
Classification: Uncertain significance for BRPF1-related condition. Last evaluated: 2025-01-13. Review status: criteria provided, single submitter. Criteria: ACMG Guidelines, 2015. Collection method: clinical testing. Allele origin: germline.
Comment: The BRPF1 c.1005C>G variant is predicted to result in the amino acid substitution p.Asn335Lys. To our knowledge, this variant has not been reported in the literature or in a large population database (gnomAD), indicating this variant is rare. At this time, the clinical significance of this variant is uncertain due to the absence of conclusive functional and genetic evidence.